The following is an entry in ClinVar:

ClinVar aggregate classification (germline): Uncertain significance. Review status: criteria provided, multiple submitters, no conflicts (2 of 4 stars). 2 submissions from 2 submitters: Uncertain significance (2). Last evaluated 2025-10-27.

Conditions:
Achromatopsia 4 (ACHM4). Identifiers: Orphanet 49382, MedGen C1841721, MONDO:0013465, OMIM 613856.

Allele frequency attached by ClinVar (database versions not stated): ExAC 0.00001; gnomAD 0.00001; TOPMed 0.00001.
gnomAD v4.1: 11 of 1,613,766 alleles (0.00068%); highest among the groups gnomAD compares: Non-Finnish European, 0.00076%; no homozygotes.

Submissions (2):

Labcorp Genetics (formerly Invitae), Labcorp
Classification: Uncertain significance. Last evaluated: 2025-10-27. Review status: criteria provided, single submitter. Criteria: Invitae Variant Classification Sherloc (09022015). Collection method: clinical testing. Allele origin: germline.
Comment: This sequence change replaces leucine, which is neutral and non-polar, with proline, which is neutral and non-polar, at codon 234 of the GNAT2 protein (p.Leu234Pro). This variant is present in population databases (rs758050645, gnomAD 0.002%). This variant has not been reported in the literature in individuals affected with GNAT2-related conditions. ClinVar contains an entry for this variant (Variation ID: 2052854). Invitae Evidence Modeling of protein sequence and biophysical properties (such as structural, functional, and spatial information, amino acid conservation, physicochemical variation, residue mobility, and thermodynamic stability) indicates that this missense variant is expected to disrupt GNAT2 protein function with a positive predictive value of 80%. In summary, the available evidence is currently insufficient to determine the role of this variant in disease. Therefore, it has been classified as a Variant of Uncertain Significance.

Department of Pathology and Laboratory Medicine, Sinai Health System
Classification: Uncertain significance for Achromatopsia 4. Last evaluated: 2023-09-26. Review status: criteria provided, single submitter. Criteria: ACMG Guidelines, 2015. Collection method: research. Allele origin: germline.

NM_001377295.2(GNAT2):c.701T>C (p.Leu234Pro)

Genes: GNAT2 (G protein subunit alpha transducin 2; minus strand), LOC129388577 (MPRA-validated peak357 silencer; plus strand). Cytogenetic location: 1p13.3.
Variant type: single nucleotide variant.
Coding change: c.701T>C on transcript NM_001377295.2 (MANE Select); coding-DNA position 701, T replaced by C.
Protein change: p.Leu234Pro; replaces leucine 234 with proline.
Molecular consequence: missense variant.
Genome position (GRCh38, 1-based): chr1:109,605,989, A>G on the plus strand (T>C on the coding strand, the complement: GNAT2 is on the minus strand). VCF-style: chr1-109605989-A-G. GRCh37 (hg19) VCF-style: chr1-110148611-A-G.
Other names: c.701T>C, p.Leu234Pro (NM_001379232.1, NM_005272.5); short protein forms L234P.
Identifiers: ClinVar variation 2052854 (VCV002052854.5), dbSNP rs758050645, ClinGen allele CA992347.